The following is an entry in ClinVar:

ClinVar aggregate classification (germline): Uncertain significance (1 of 4 stars; one submission).

Conditions:
Charcot-Marie-Tooth disease axonal type 2C (HMSN2C). Also called: CHARCOT-MARIE-TOOTH DISEASE, AXONAL, AUTOSOMAL DOMINANT, TYPE 2C; Charcot-Marie-Tooth Neuropathy Type 2C; Charcot-Marie-Tooth Disease Type 2, TRPV4-Related (CMT2C). Identifiers: Orphanet 99937, MedGen C1853710, MONDO:0011633, OMIM 606071.

Submission:

Labcorp Genetics (formerly Invitae), Labcorp
Classification: Uncertain significance for Charcot-Marie-Tooth disease axonal type 2C. Last evaluated: 2024-03-07. Review status: criteria provided, single submitter. Criteria: Invitae Variant Classification Sherloc (09022015). Collection method: clinical testing. Allele origin: germline.
Comment: This sequence change replaces arginine, which is basic and polar, with glycine, which is neutral and non-polar, at codon 392 of the TRPV4 protein (p.Arg392Gly). This variant is present in population databases (no rsID available, gnomAD 0.006%). This variant has not been reported in the literature in individuals affected with TRPV4-related conditions. Advanced modeling of protein sequence and biophysical properties (such as structural, functional, and spatial information, amino acid conservation, physicochemical variation, residue mobility, and thermodynamic stability) performed at Invitae indicates that this missense variant is expected to disrupt TRPV4 protein function with a positive predictive value of 95%. In summary, the available evidence is currently insufficient to determine the role of this variant in disease. Therefore, it has been classified as a Variant of Uncertain Significance.

NM_021625.5(TRPV4):c.1174C>G (p.Arg392Gly)

Gene: TRPV4 (transient receptor potential cation channel subfamily V member 4; minus strand). Cytogenetic location: 12q24.11.
Variant type: single nucleotide variant.
Coding change: c.1174C>G on transcript NM_021625.5 (MANE Select); coding-DNA position 1174, C replaced by G.
Protein change: p.Arg392Gly; replaces arginine 392 with glycine.
Molecular consequence: missense variant. On other transcripts: intron variant (2).
Genome position (GRCh38, 1-based): chr12:109,796,683, G>C on the plus strand (C>G on the coding strand, the complement: TRPV4 is on the minus strand). VCF-style: chr12-109796683-G-C. GRCh37 (hg19) VCF-style: chr12-110234488-G-C.
Other names: c.1033C>G, p.Arg345Gly (NM_001177428.2); c.1072C>G, p.Arg358Gly (NM_001177431.2); c.1011+1931C>G (NM_001177433.1); c.1152+1931C>G (NM_147204.2); short protein forms R345G, R358G, R392G.
Identifiers: ClinVar variation 3604673 (VCV003604673.2).
Genomic context (GRCh38, chr12:109,796,683, plus strand): 5'-CATAGGCCCAGTCCTTGAACTTGCGGGACAGGTGCCGTGTGTCCTCATCCGTCACCTCCC[G>C]CCGGATGATGTGCTGAAAGATCTGCACAGGGGGCCAGGAGGGTCAGGGGGCTCACACTGG-3'
Protein context (NP_067638.3, residues 382-402): KIGIFQHIIR[Arg392Gly]EVTDEDTRHL